The following is an entry in ClinVar:

ClinVar aggregate classification (germline): Uncertain significance (1 of 4 stars; one submission).

Submission:

Labcorp Genetics (formerly Invitae), Labcorp
Classification: Uncertain significance. Last evaluated: 2023-11-20. Review status: criteria provided, single submitter. Criteria: Invitae Variant Classification Sherloc (09022015). Collection method: clinical testing. Allele origin: germline.
Comment: This sequence change replaces glutamic acid, which is acidic and polar, with lysine, which is basic and polar, at codon 4958 of the HMCN1 protein (p.Glu4958Lys). This variant is not present in population databases (gnomAD no frequency). This variant has not been reported in the literature in individuals affected with HMCN1-related conditions. ClinVar contains an entry for this variant (Variation ID: 1719416). An algorithm developed to predict the effect of missense changes on protein structure and function (PolyPhen-2) suggests that this variant is likely to be disruptive. In summary, the available evidence is currently insufficient to determine the role of this variant in disease. Therefore, it has been classified as a Variant of Uncertain Significance.

NM_031935.3(HMCN1):c.14872G>A (p.Glu4958Lys)

Gene: HMCN1 (hemicentin 1; plus strand). Cytogenetic location: 1q31.1.
Variant type: single nucleotide variant.
Coding change: c.14872G>A on transcript NM_031935.3 (MANE Select); coding-DNA position 14872, G replaced by A.
Protein change: p.Glu4958Lys; replaces glutamic acid 4958 with lysine.
Molecular consequence: missense variant.
Genome position (GRCh38, 1-based): chr1:186,151,719, G>A. VCF-style: chr1-186151719-G-A. GRCh37 (hg19) VCF-style: chr1-186120851-G-A.
Other names: short protein forms E4958K.
Identifiers: ClinVar variation 1719416 (VCV001719416.5), dbSNP rs2528151904, ClinGen allele CA343921311.